The following is an entry in ClinVar:

NM_001304548.2(CFAP47):c.8540C>T (p.Thr2847Met)

Gene: CFAP47 (cilia and flagella associated protein 47; plus strand). Cytogenetic location: Xp21.1.
Variant type: single nucleotide variant.
Coding change: c.8540C>T on transcript NM_001304548.2 (MANE Select); coding-DNA position 8540, C replaced by T.
Protein change: p.Thr2847Met; replaces threonine 2847 with methionine.
Molecular consequence: missense variant.
Genome position (GRCh38, 1-based): chrX:36,348,225, C>T. VCF-style: chrX-36348225-C-T. GRCh37 (hg19) VCF-style: chrX-36366340-C-T.
Other names: NM_001098843.3:c.878C>T; short protein forms T2847M.
Identifiers: ClinVar variation 2395501 (VCV002395501.8), dbSNP rs782433303, ClinGen allele CA10382401.

ClinVar aggregate classification (germline): Likely benign. Review status: criteria provided, multiple submitters, no conflicts (2 of 4 stars). 2 submissions from 2 submitters: Likely benign (2). Last evaluated 2025-11-01.

Conditions:
Inborn genetic diseases. Identifiers: MedGen C0950123, MeSH D030342.

Allele frequency attached by ClinVar (database versions not stated): 1000 Genomes Project 0.00026; 1000 Genomes Project 30x 0.00042; gnomAD 0.00050; ExAC 0.00055; TOPMed 0.00057.
gnomAD v4.1: 186 of 1,054,550 alleles (0.018%); highest among the groups gnomAD compares: African/African-American, 0.16%; 1 homozygote.

Submissions (2):

CeGaT Center for Human Genetics Tuebingen
Classification: Likely benign. Last evaluated: 2025-11-01. Review status: criteria provided, single submitter. Criteria: CeGaT Center For Human Genetics Tuebingen Variant Classification Criteria Version 2. Collection method: clinical testing. Allele origin: germline. Affected: yes. Observed: 2 variant alleles.
Comment: CFAP47: BP4, BS2; CXorf30: BP4, BS2

Ambry Genetics
Classification: Likely benign for Inborn genetic diseases. Last evaluated: 2021-11-08. Review status: criteria provided, single submitter. Criteria: Ambry General Variant Classification Scheme_2022. Collection method: clinical testing. Allele origin: germline. Observed: 1 variant allele.